The following is an entry in ClinVar:

ClinVar aggregate classification (germline): Uncertain significance. Review status: criteria provided, multiple submitters, no conflicts (2 of 4 stars). 2 submissions from 2 submitters: Uncertain significance (2). Last evaluated 2024-10-12.

Conditions:
Congenital contractural arachnodactyly (CCA). Also called: Arthrogryposis, distal, type 9; BEALS SYNDROME; Beals-Hecht syndrome. Identifiers: Orphanet 115, MedGen C0220668, MONDO:0007363, OMIM 121050.

gnomAD v4.1: 1 of 1,614,244 alleles (0.000062%); highest among the groups gnomAD compares: Non-Finnish European, 0.000085%; no homozygotes.

Submissions (2):

Labcorp Genetics (formerly Invitae), Labcorp
Classification: Uncertain significance for Congenital contractural arachnodactyly. Last evaluated: 2024-10-12. Review status: criteria provided, single submitter. Criteria: Invitae Variant Classification Sherloc (09022015). Collection method: clinical testing. Allele origin: germline.
Comment: This sequence change replaces tyrosine, which is neutral and polar, with cysteine, which is neutral and slightly polar, at codon 1272 of the FBN2 protein (p.Tyr1272Cys). This variant is not present in population databases (gnomAD no frequency). This variant has not been reported in the literature in individuals affected with FBN2-related conditions. Invitae Evidence Modeling of protein sequence and biophysical properties (such as structural, functional, and spatial information, amino acid conservation, physicochemical variation, residue mobility, and thermodynamic stability) indicates that this missense variant is not expected to disrupt FBN2 protein function with a negative predictive value of 80%. In summary, the available evidence is currently insufficient to determine the role of this variant in disease. Therefore, it has been classified as a Variant of Uncertain Significance.

Women's Health and Genetics/Laboratory Corporation of America, LabCorp
Classification: Uncertain significance. Last evaluated: 2024-01-22. Review status: criteria provided, single submitter. Criteria: LabCorp Variant Classification Summary - May 2015. Collection method: clinical testing. Allele origin: germline.

NM_001999.4(FBN2):c.3815A>G (p.Tyr1272Cys)

Gene: FBN2 (fibrillin 2; minus strand). Cytogenetic location: 5q23.3.
Variant type: single nucleotide variant.
Coding change: c.3815A>G on transcript NM_001999.4 (MANE Select); coding-DNA position 3815, A replaced by G.
Protein change: p.Tyr1272Cys; replaces tyrosine 1272 with cysteine.
Molecular consequence: missense variant.
Genome position (GRCh38, 1-based): chr5:128,335,487, T>C on the plus strand (A>G on the coding strand, the complement: FBN2 is on the minus strand). VCF-style: chr5-128335487-T-C. GRCh37 (hg19) VCF-style: chr5-127671179-T-C.
Other names: short protein forms Y1272C.
Identifiers: ClinVar variation 3063616 (VCV003063616.3), dbSNP rs2479801715, ClinGen allele CA360757961.